The following is an entry in ClinVar:

ClinVar aggregate classification (germline): Likely benign (1 of 4 stars; one submission).

Allele frequency attached by ClinVar (database versions not stated): gnomAD 0.00003; ESP Exome Variant Server 0.00009.
gnomAD v4.1: 4 of 1,201,369 alleles (0.00033%); highest among the groups gnomAD compares: African/African-American, 0.0053%; no homozygotes.

Submission:

CeGaT Center for Human Genetics Tuebingen
Classification: Likely benign. Last evaluated: 2023-09-01. Review status: criteria provided, single submitter. Criteria: CeGaT Center For Human Genetics Tuebingen Variant Classification Criteria Version 2. Collection method: clinical testing. Allele origin: germline. Affected: yes. Observed: 1 variant allele.
Comment: HDAC6: BP4

NM_006044.4(HDAC6):c.2830G>A (p.Gly944Arg)

Gene: HDAC6 (histone deacetylase 6; plus strand). Cytogenetic location: Xp11.23.
Variant type: single nucleotide variant.
Coding change: c.2830G>A on transcript NM_006044.4 (MANE Select); coding-DNA position 2830, G replaced by A.
Protein change: p.Gly944Arg; replaces glycine 944 with arginine.
Molecular consequence: missense variant. On other transcripts: non-coding transcript variant (1).
Genome position (GRCh38, 1-based): chrX:48,823,229, G>A. VCF-style: chrX-48823229-G-A. GRCh37 (hg19) VCF-style: chrX-48681639-G-A.
Other names: c.2872G>A, p.Gly958Arg (NM_001321225.2); c.2830G>A, p.Gly944Arg (NM_001321226.2, NM_001321227.2, NM_001321228.2 and 1 more transcripts); short protein forms G944R, G958R.
Identifiers: ClinVar variation 2660474 (VCV002660474.24), dbSNP rs370891084, ClinGen allele CA329120357.